The following is an entry in ClinVar:

ClinVar aggregate classification (germline): Conflicting classifications of pathogenicity. Review status: criteria provided, conflicting classifications (1 of 4 stars). 2 submissions from 2 submitters: Likely pathogenic (1); Uncertain significance (1). Last evaluated 2024-07-02.

Submissions (2):

Greenwood Genetic Center Diagnostic Laboratories, Greenwood Genetic Center
Classification: Uncertain significance. Last evaluated: 2024-07-02. Review status: criteria provided, single submitter. Criteria: ACMG Guidelines, 2015. Collection method: clinical testing. Allele origin: germline. Affected: yes.
Comment: PM2, PM3_Supporting

GeneDx
Classification: Likely pathogenic. Last evaluated: 2023-05-08. Review status: criteria provided, single submitter. Criteria: GeneDx Variant Classification Process June 2021. Collection method: clinical testing. Allele origin: germline. Affected: yes.
Comment: Frameshift variant predicted to result in protein truncation, as the last 133 amino acids are replaced with 8 different amino acids, and other loss-of-function variants have been reported downstream in HGMD; Not observed at significant frequency in large population cohorts (gnomAD); Has not been previously published as pathogenic or benign to our knowledge

NM_001040616.3(LINS1):c.1873dup (p.Ser625fs)

Gene: LINS1 (lines homolog 1; minus strand). Cytogenetic location: 15q26.3.
Variant type: Duplication.
Coding change: c.1873dup on transcript NM_001040616.3 (MANE Select); coding-DNA position 1873, one base duplicated (A; older notation c.1873dupA).
Protein change: p.Ser625fs; shifts the reading frame from serine 625.
Molecular consequence: frameshift variant. On other transcripts: non-coding transcript variant (3).
Genome position (GRCh38, 1-based): chr15:100,569,639, T duplicated on the plus strand (A on the coding strand, the reverse complement: LINS1 is on the minus strand); the first of 3 consecutive T bases (chr15:100,569,639-100,569,641); duplicating any one gives the same sequence. VCF-style (leftmost placement, unchanged base first): chr15-100569638-C-CT. GRCh37 (hg19) VCF-style: chr15-101109843-C-CT.
Other names: c.1126dup, p.Ser376fs (NM_001352507.2); c.1720dup, p.Ser574fs (NM_001352508.2); short protein forms S376fs, S574fs, S625fs.
Identifiers: ClinVar variation 2663115 (VCV002663115.2), dbSNP rs2505320840, ClinGen allele CA2695197379.